The following is an entry in ClinVar:

ClinVar aggregate classification (germline): Uncertain significance (1 of 4 stars; one submission).

Allele frequency attached by ClinVar (database versions not stated): gnomAD exomes below 0.00001; TOPMed 0.00001.
gnomAD v4.1: 1 of 1,614,186 alleles (0.000062%); highest among the groups gnomAD compares: Non-Finnish European, 0.000085%; no homozygotes.

Submission:

GeneDx
Classification: Uncertain significance. Last evaluated: 2020-05-18. Review status: criteria provided, single submitter. Criteria: GeneDx Variant Classification Process June 2021. Collection method: clinical testing. Allele origin: germline. Affected: yes.
Comment: Not observed in large population cohorts (Lek et al., 2016); In silico analysis supports that this missense variant does not alter protein structure/function; Has not been previously published as pathogenic or benign to our knowledge

NM_138694.4(PKHD1):c.3692T>C (p.Leu1231Pro)

Gene: PKHD1 (PKHD1 ciliary IPT domain containing fibrocystin/polyductin; minus strand). Cytogenetic location: 6p12.2.
Variant type: single nucleotide variant.
Coding change: c.3692T>C on transcript NM_138694.4 (MANE Select); coding-DNA position 3692, T replaced by C.
Protein change: p.Leu1231Pro; replaces leucine 1231 with proline.
Molecular consequence: missense variant.
Genome position (GRCh38, 1-based): chr6:52,026,118, A>G on the plus strand (T>C on the coding strand, the complement: PKHD1 is on the minus strand). VCF-style: chr6-52026118-A-G. GRCh37 (hg19) VCF-style: chr6-51890916-A-G.
Other names: c.3692T>C, p.Leu1231Pro (NM_170724.3); short protein forms L1231P.
Identifiers: ClinVar variation 1312654 (VCV001312654.2), dbSNP rs1287315659, ClinGen allele CA364438467.